The following is an entry in ClinVar:

NM_002354.3(EPCAM):c.433A>G (p.Ile145Val)

Gene: EPCAM (epithelial cell adhesion molecule; plus strand). Cytogenetic location: 2p21.
Variant type: single nucleotide variant.
Coding change: c.433A>G on transcript NM_002354.3 (MANE Select); coding-DNA position 433, A replaced by G.
Protein change: p.Ile145Val; replaces isoleucine 145 with valine.
Molecular consequence: missense variant.
Genome position (GRCh38, 1-based): chr2:47,375,241, A>G. VCF-style: chr2-47375241-A-G. GRCh37 (hg19) VCF-style: chr2-47602380-A-G.
Other names: short protein forms I145V.
Identifiers: ClinVar variation 1338158 (VCV001338158.7), dbSNP rs1481507644, ClinGen allele CA346723545.

ClinVar aggregate classification (germline): Uncertain significance. Review status: criteria provided, multiple submitters, no conflicts (2 of 4 stars). 2 submissions from 2 submitters: Uncertain significance (2). Last evaluated 2024-04-07.

Conditions:
Hereditary cancer-predisposing syndrome. Also called: Neoplastic Syndromes, Hereditary; Tumor predisposition; Hereditary Cancer Syndrome; Hereditary neoplastic syndrome. Identifiers: Orphanet 140162, MedGen C0027672, MeSH D009386, MONDO:0015356.

Allele frequency attached by ClinVar (database versions not stated): gnomAD exomes below 0.00001 and 0.00001; TOPMed below 0.00001; gnomAD 0.00001.
gnomAD v4.1: 3 of 1,608,578 alleles (0.00019%); highest among the groups gnomAD compares: Admixed American, 0.005%; no homozygotes.

Submissions (2):

Ambry Genetics
Classification: Uncertain significance for Hereditary cancer-predisposing syndrome. Last evaluated: 2024-04-07. Review status: criteria provided, single submitter. Criteria: Ambry Variant Classification Scheme 2023. Collection method: clinical testing. Allele origin: germline.
Comment: The p.I145V variant (also known as c.433A>G), located in coding exon 4 of the EPCAM gene, results from an A to G substitution at nucleotide position 433. The isoleucine at codon 145 is replaced by valine, an amino acid with highly similar properties. This amino acid position is conserved. In addition, this alteration is predicted to be tolerated by in silico analysis. Since supporting evidence is limited at this time, the clinical significance of this alteration remains unclear.

Genetic Services Laboratory, University of Chicago
Classification: Uncertain significance. Last evaluated: 2021-12-02. Review status: criteria provided, single submitter. Criteria: ACMG Guidelines, 2015. Collection method: clinical testing. Allele origin: germline. Affected: no.
Comment: DNA sequence analysis of the EPCAM gene demonstrated a sequence change, c.433A>G, in exon 4 that results in an amino acid change, p.Ile145Val. This sequence change has been described in the gnomAD database in two individuals which corresponds to a population frequency of 0.00080% (dbSNP rs1481507644). The p.Ile145Val change affects a highly conserved amino acid residue located in a domain of the EPCAM protein that is not known to be functional. In-silico pathogenicity prediction tools (SIFT, PolyPhen2, Align GVGD, REVEL) provide contradictory results for the p.Ile145Val substitution. This sequence change does not appear to have been previously described in individuals with EPCAM-related disorders. Due to insufficient evidences and the lack of functional studies, the clinical significance of the p.Ile145Val change remains unknown at this time.